The following is an entry in ClinVar:

ClinVar aggregate classification (germline): Conflicting classifications of pathogenicity. Review status: criteria provided, conflicting classifications (1 of 4 stars). 6 submissions from 6 submitters: Uncertain significance (4); Likely benign (2). Last evaluated 2025-10-03.

Conditions:
Myofibrillar myopathy 5. Also called: Filaminopathy (type); FILAMINOPATHY, AUTOSOMAL DOMINANT. Identifiers: Orphanet 171445, MedGen C1836050, MONDO:0012289, OMIM 609524.
Distal myopathy with posterior leg and anterior hand involvement. Also called: WILLIAMS DISTAL MYOPATHY. Identifiers: Orphanet 63273, MedGen C3279722, MONDO:0013550, OMIM 614065.
Hypertrophic cardiomyopathy 26. Also called: Cardiomyopathy, familial hypertrophic, 26. Identifiers: Orphanet 75249, MedGen C4310749, MONDO:0014883, OMIM 617047.
Cardiovascular phenotype. Identifiers: MedGen CN230736.

Allele frequency attached by ClinVar (database versions not stated): TOPMed 0.00002.
gnomAD v4.1: 40 of 1,614,070 alleles (0.0025%); highest among the groups gnomAD compares: East Asian, 0.0067%; no homozygotes.

Submissions (6):

GeneDx
Classification: Uncertain significance. Last evaluated: 2025-10-03. Review status: criteria provided, single submitter. Criteria: GeneDx Variant Classification Process June 2021. Collection method: clinical testing. Allele origin: germline. Affected: yes.
Comment: Reported in a patient with severe DCM who also harbors a 1p36 chromosomal deletion (PMID: 29517769); In silico analysis supports that this missense variant has a deleterious effect on protein structure/function; This variant is associated with the following publications: (PMID: 29517769)

Labcorp Genetics (formerly Invitae), Labcorp
Classification: Likely benign for Distal myopathy with posterior leg and anterior hand involvement; Myofibrillar myopathy 5; Hypertrophic cardiomyopathy 26. Last evaluated: 2025-08-18. Review status: criteria provided, single submitter. Criteria: Invitae Variant Classification Sherloc (09022015). Collection method: clinical testing. Allele origin: germline.

ARUP Laboratories, Molecular Genetics and Genomics, ARUP Laboratories
Classification: Uncertain significance. Last evaluated: 2024-03-20. Review status: criteria provided, single submitter. Criteria: ARUP Molecular Germline Variant Investigation Process 2024. Collection method: clinical testing. Allele origin: germline.
Comment: The FLNC c.1673G>A; p.Arg558His variant (rs776881635, ClinVar ID: 539347) is reported in the literature in one individual affected with dilated cardiomyopathy who also had a 1p36 deletion (Herkert 2018). This variant is found in the general population with an overall allele frequency of 0.004% (10/280876 alleles) in the Genome Aggregation Database (v2.1.1). Computational analyses are uncertain whether this variant is neutral or deleterious (REVEL: 0.629). Due to limited information, the clinical significance of this variant is uncertain at this time. References: Herkert JC et al. Toward an effective exome-based genetic testing strategy in pediatric dilated cardiomyopathy. Genet Med. 2018 Nov;20(11):1374-1386. PMID: 29517769.

Revvity Omics, Revvity
Classification: Uncertain significance. Last evaluated: 2023-12-06. Review status: criteria provided, single submitter. Criteria: ACMG Guidelines, 2015. Collection method: clinical testing. Allele origin: germline.

Ambry Genetics
Classification: Uncertain significance for Cardiovascular phenotype. Last evaluated: 2023-08-03. Review status: criteria provided, single submitter. Criteria: Ambry Variant Classification Scheme 2023. Collection method: clinical testing. Allele origin: germline.
Comment: The p.R558H variant (also known as c.1673G>A), located in coding exon 10 of the FLNC gene, results from a G to A substitution at nucleotide position 1673. The arginine at codon 558 is replaced by histidine, an amino acid with highly similar properties. This variant has been detected in a case with dilated cardiomyopathy and congenital heart defects who also had a 1p36 deletion (Herkert JC et al. Genet Med, 2018 Nov;20:1374-1386). This amino acid position is highly conserved in available vertebrate species. In addition, the in silico prediction for this alteration is inconclusive. Since supporting evidence is limited at this time, the clinical significance of this alteration remains unclear.

Blueprint Genetics
Classification: Likely benign. Last evaluated: 2023-08-01. Review status: criteria provided, single submitter. Criteria: ACMG Guidelines, 2015. Collection method: clinical testing. Allele origin: germline.

Literature cited by the submitters: PubMed 29517769 (cited by Ambry Genetics).

NM_001458.5(FLNC):c.1673G>A (p.Arg558His)

Gene: FLNC (filamin C; plus strand). Cytogenetic location: 7q32.1.
Variant type: single nucleotide variant.
Coding change: c.1673G>A on transcript NM_001458.5 (MANE Select); coding-DNA position 1673, G replaced by A.
Protein change: p.Arg558His; replaces arginine 558 with histidine.
Molecular consequence: missense variant.
Genome position (GRCh38, 1-based): chr7:128,840,671, G>A. VCF-style: chr7-128840671-G-A. GRCh37 (hg19) VCF-style: chr7-128480725-G-A.
Other names: c.1673G>A, p.Arg558His (NM_001127487.2); short protein forms R558H.
Identifiers: ClinVar variation 539347 (VCV000539347.18), dbSNP rs776881635, ClinGen allele CA4474430.
Genomic context (GRCh38, chr7:128,840,671, plus strand): 5'-ACCCGGTGGTGCCTGGGAAGTATGTGGTGACCATCACGTGGGGCGGCTACGCCATCCCTC[G>A]CAGGTGAGTACCTTGCGCCCCCCATGCTGTCCTGTCTAGGCCATCACAGGGAGGGACGAG-3'
Protein context (NP_001449.3, residues 548-568): TITWGGYAIP[Arg558His]SPFEVQVSPE